The following is an entry in ClinVar:

ClinVar aggregate classification (germline): Benign. Review status: criteria provided, multiple submitters, no conflicts (2 of 4 stars). 10 submissions from 10 submitters: Benign (9). 1 of the submissions does not count toward it. Last evaluated 2026-02-03.

Conditions:
Adenylosuccinate lyase deficiency (ADSLD). Also called: ADSL DEFICIENCY. Identifiers: Orphanet 46, MedGen C0268126, MONDO:0007068, OMIM 103050.

Allele frequency attached by ClinVar (database versions not stated): 1000 Genomes Project 0.00479; 1000 Genomes Project 30x 0.00500; ESP Exome Variant Server 0.00900; gnomAD 0.00938 and 0.00969; gnomAD exomes 0.00944 and 0.01353; TOPMed 0.00956; ExAC 0.01010.
gnomAD v4.1: 21,011 of 1,611,704 alleles (1.3%); highest among the groups gnomAD compares: Non-Finnish European, 1.6%; 163 homozygotes.

Submissions (10):

Labcorp Genetics (formerly Invitae), Labcorp
Classification: Benign for Adenylosuccinate lyase deficiency. Last evaluated: 2026-02-03. Review status: criteria provided, single submitter. Criteria: Invitae Variant Classification Sherloc (09022015). Collection method: clinical testing. Allele origin: germline.

CeGaT Center for Human Genetics Tuebingen
Classification: Benign. Last evaluated: 2024-08-01. Review status: criteria provided, single submitter. Criteria: CeGaT Center For Human Genetics Tuebingen Variant Classification Criteria Version 2. Collection method: clinical testing. Allele origin: germline. Affected: yes. Observed: 6 variant alleles.
Comment: ADSL: BP4, BS1, BS2

Mayo Clinic Laboratories, Mayo Clinic
Classification: Benign. Last evaluated: 2018-09-18. Review status: criteria provided, single submitter. Criteria: ACMG Guidelines, 2015. Collection method: clinical testing. Allele origin: germline. Observed: 9 variant alleles.

Illumina Laboratory Services, Illumina
Classification: Benign for Adenylosuccinate lyase deficiency. Last evaluated: 2018-01-12. Review status: criteria provided, single submitter. Criteria: ICSL Variant Classification Criteria 13 December 2019. Collection method: clinical testing. Allele origin: germline.
Comment: This variant was observed in the ICSL laboratory as part of a predisposition screen in an ostensibly healthy population. It had not been previously curated by ICSL or reported in the Human Gene Mutation Database (HGMD: prior to June 1st, 2018), and was therefore a candidate for classification through an automated scoring system. Utilizing variant allele frequency, disease prevalence and penetrance estimates, and inheritance mode, an automated score was calculated to assess if this variant is too frequent to cause the disease. Based on the score and internal cut-off values, a variant classified as benign is not then subjected to further curation. The score for this variant resulted in a classification of benign for this disease.

Athena Diagnostics
Classification: Benign. Last evaluated: 2017-06-29. Review status: criteria provided, single submitter. Criteria: Athena Diagnostics Criteria. Collection method: clinical testing. Allele origin: germline.

Eurofins Ntd Llc (ga)
Classification: Benign. Last evaluated: 2014-06-09. Review status: criteria provided, single submitter. Criteria: EGL Classification Definitions 2015. Collection method: clinical testing. Allele origin: germline. Observed: 1 variant allele, 1 heterozygote.

GeneDx
Classification: Benign. Last evaluated: 2012-11-20. Review status: criteria provided, single submitter. Criteria: GeneDx Variant Classification (06012015). Collection method: clinical testing. Allele origin: germline. Affected: yes.
Comment: This variant is considered likely benign or benign based on one or more of the following criteria: it is a conservative change, it occurs at a poorly conserved position in the protein, it is predicted to be benign by multiple in silico algorithms, and/or has population frequency not consistent with disease.

Breakthrough Genomics
Classification: Benign. Review status: criteria provided, single submitter. Criteria: ACMG Guidelines, 2015. Collection method: not provided. Allele origin: germline. Inheritance: Autosomal recessive inheritance. Affected: yes.

PreventionGenetics, part of Exact Sciences
Classification: Benign. Review status: criteria provided, single submitter. Criteria: ACMG Guidelines, 2015. Collection method: clinical testing. Allele origin: germline.

Genetic Services Laboratory, University of Chicago
Classification: Likely benign for AllHighlyPenetrant. Review status: no assertion criteria provided. Collection method: clinical testing. Allele origin: germline. Inheritance: Autosomal recessive inheritance. Not counted in ClinVar's aggregate classification.
Comment: Likely benign based on allele frequency in 1000 Genomes Project or ESP global frequency and its presence in a patient with a rare or unrelated disease phenotype. NOT Sanger confirmed.

NM_000026.4(ADSL):c.124C>T (p.Leu42=)

Gene: ADSL (adenylosuccinate lyase; plus strand). Cytogenetic location: 22q13.1.
Variant type: single nucleotide variant.
Coding change: c.124C>T on transcript NM_000026.4 (MANE Select); coding-DNA position 124, C replaced by T.
Protein change: p.Leu42=; no amino-acid change (leucine 42 retained).
Molecular consequence: synonymous variant. On other transcripts: non-coding transcript variant (1), intron variant (1).
Genome position (GRCh38, 1-based): chr22:40,346,682, C>T. VCF-style: chr22-40346682-C-T. GRCh37 (hg19) VCF-style: chr22-40742686-C-T.
Other names: p.L42L:CTG>TTG; p.Leu42=; c.124C>T, p.Leu42= (NM_001123378.3, NM_001363840.3); c.-40+26C>T (NM_001317923.2).
Identifiers: ClinVar variation 128276 (VCV000128276.50), dbSNP rs2228415, ClinGen allele CA288666.